The following is an entry in ClinVar:

GRCh38/hg38 17q24.2(chr17:67994397-68079905)x3

Genes: C17orf58 (chromosome 17 open reading frame 58; minus strand), KPNA2 (karyopherin subunit alpha 2; plus strand), TRR-CCG2-1 (tRNA-Arg (anticodon CCG) 2-1; minus strand), LOC129390922 (MPRA-validated peak2956 silencer; plus strand), LOC130061502 (ATAC-STARR-seq lymphoblastoid silent region 8883; plus strand) and 1 more. Cytogenetic location: 17q24.2.
Variant type: copy number gain.
Change: copy number 3 (three copies instead of two) of chr17:67,994,397-68,079,905 (85.5 kb, GRCh38 coordinates, 1-based), cytogenetic band 17q24.2.
Identifiers: ClinVar variation 145070 (VCV000145070.1).

ClinVar aggregate classification (germline): Benign/Likely benign (0 of 4 stars; one submission).

Submission:

GeneDx
Classification: Benign/Likely benign. Last evaluated: 2011-04-30. Review status: no assertion criteria provided. Collection method: clinical testing. Allele origin: not provided. Affected: yes. Observed: 3 variant alleles. Clinical features observed: Developmental delay AND/OR other significant developmental or morphological phenotypes.
Comment: Likely benign (2), Benign (1)